The following is an entry in ClinVar:

ClinVar aggregate classification (germline): Pathogenic/Likely pathogenic. Review status: criteria provided, multiple submitters, no conflicts (2 of 4 stars). 5 submissions from 5 submitters: Pathogenic (2); Likely pathogenic (3). Last evaluated 2022-09-01.

Conditions:
Acromesomelic dysplasia 1, Maroteaux type (AMD1). Also called: ST. HELENA DYSPLASIA; ACROMESOMELIC DYSPLASIA 1. Identifiers: Orphanet 40, MedGen C1864356, MONDO:0011275, OMIM 602875.
Short stature with nonspecific skeletal abnormalities. Identifiers: MedGen C4225399, MONDO:0975810.
Tall stature-scoliosis-macrodactyly of the great toes syndrome. Also called: Epiphyseal chondrodysplasia, miura type. Identifiers: Orphanet 329191, MedGen C4014690, MONDO:0014401, OMIM 615923.
NPR2-related disorder. Also called: NPR2-related disorders; NPR2-related condition.

Allele frequency attached by ClinVar (database versions not stated): gnomAD exomes below 0.00001; gnomAD 0.00001; TOPMed below 0.00001.
gnomAD v4.1: 6 of 1,613,812 alleles (0.00037%); highest among the groups gnomAD compares: South Asian, 0.0011%; no homozygotes.

Submissions (5):

3billion
Classification: Likely pathogenic for Short stature with nonspecific skeletal abnormalities 1. Last evaluated: 2022-09-01. Review status: criteria provided, single submitter. Criteria: ACMG Guidelines, 2015. Collection method: clinical testing. Allele origin: germline. Affected: yes. Observed: 1 heterozygote.
Comment: This missense variant is not observed in the gnomAD v2.1.1 dataset. In silico tool predictions suggest damaging effect of the variant on gene or gene product (REVEL: 0.94; 3Cnet: 0.21). Same nucleotide change resulting in same amino acid change has been previously reported as pathogenic/likely pathogenic with strong evidence for autosomal recessive NPR2-related disorder (ClinVar ID: VCV000873127). Therefore, this variant is classified as Likely pathogenic according to the recommendation of ACMG/AMP guideline.

Labcorp Genetics (formerly Invitae), Labcorp
Classification: Pathogenic for Tall stature-scoliosis-macrodactyly of the great toes syndrome; Acromesomelic dysplasia 1, Maroteaux type. Last evaluated: 2022-08-17. Review status: criteria provided, single submitter. Criteria: Invitae Variant Classification Sherloc (09022015). Collection method: clinical testing. Allele origin: germline.
Comment: This sequence change replaces threonine, which is neutral and polar, with methionine, which is neutral and non-polar, at codon 907 of the NPR2 protein (p.Thr907Met). This variant is not present in population databases (gnomAD no frequency). This missense change has been observed in individuals with autosomal recessive acromesomelic dysplasia, type Maroteaux (PMID: 22691581). It has also been observed to segregate with disease in related individuals. ClinVar contains an entry for this variant (Variation ID: 873127). Algorithms developed to predict the effect of missense changes on protein structure and function (SIFT, PolyPhen-2, Align-GVGD) all suggest that this variant is likely to be disruptive. For these reasons, this variant has been classified as Pathogenic.

Lupski Lab, Baylor-Hopkins CMG, Baylor College of Medicine
Classification: Likely pathogenic for Acromesomelic dysplasia 1, Maroteaux type. Last evaluated: 2022-06-07. Review status: criteria provided, single submitter. Criteria: ACMG Guidelines, 2015. Collection method: research. Allele origin: inherited. Affected: yes. Observed: 3 variant alleles. Clinical features observed: Brachydactyly (HP:0001156), Shortening of all metacarpals (HP:0005720), Short metatarsal (HP:0010743), Short phalanx of finger (HP:0009803), Short toe (HP:0001831), Limited elbow extension (HP:0001377), Congenital hip dislocation (HP:0001374).

Hacettepe Genetic Diseases Diagnosis Center, Hacettepe University Faculty of Medicine
Classification: Likely pathogenic for Acromesomelic dysplasia 1, Maroteaux type. Last evaluated: 2020-04-28. Review status: criteria provided, single submitter. Criteria: ACMG Guidelines, 2015. Collection method: clinical testing. Allele origin: germline. Inheritance: Autosomal recessive inheritance. Affected: yes. Observed: 1 homozygote.
Comment: This variant has previously been reported in sixteen patients of the five families diagnosed with Acromesomelic dysplasia, Maroteaux type (Khan et al., 2012). This variant is classified as likely pathogenic according to the ACMG guidelines and considered as disease causing by in silico analysis such as MutationTaster.

Blueprint Genetics
Classification: Pathogenic for NPR2-related disorders. Last evaluated: 2019-11-19. Review status: criteria provided, single submitter. Criteria: ACMG Guidelines, 2015. Collection method: clinical testing. Allele origin: germline. Affected: yes. Observed: 2 variant alleles.

Literature cited by the submitters: PubMed 22691581 (cited by Labcorp Genetics (formerly Invitae), Labcorp).

NM_003995.4(NPR2):c.2720C>T (p.Thr907Met)

Genes: NPR2 (natriuretic peptide receptor 2; plus strand), SPAG8 (sperm associated antigen 8; minus strand). Cytogenetic location: 9p13.3.
Variant type: single nucleotide variant.
Coding change: c.2720C>T on transcript NM_003995.4 (MANE Select); coding-DNA position 2720, C replaced by T.
Protein change: p.Thr907Met; replaces threonine 907 with methionine.
Molecular consequence: missense variant. On other transcripts: intron variant (2).
Genome position (GRCh38, 1-based): chr9:35,808,516, C>T. VCF-style: chr9-35808516-C-T. GRCh37 (hg19) VCF-style: chr9-35808513-C-T.
Other names: c.2729C>T, p.Thr910Met (NM_001378923.1); c.1201-210G>A (NM_001366760.2); c.1373-210G>A (NM_172312.2); short protein forms T907M, T910M.
Identifiers: ClinVar variation 873127 (VCV000873127.14), dbSNP rs1311857509, ClinGen allele CA373384753.